The following is an entry in ClinVar:

NM_000128.4(F11):c.152C>T (p.Thr51Ile)

Gene: F11 (coagulation factor XI; plus strand). Cytogenetic location: 4q35.2.
Variant type: single nucleotide variant.
Coding change: c.152C>T on transcript NM_000128.4 (MANE Select); coding-DNA position 152, C replaced by T.
Protein change: p.Thr51Ile; replaces threonine 51 with isoleucine.
Molecular consequence: missense variant.
Genome position (GRCh38, 1-based): chr4:186,271,705, C>T. VCF-style: chr4-186271705-C-T. GRCh37 (hg19) VCF-style: chr4-187192859-C-T.
Other names: c.152C>T, p.Thr51Ile (NM_001354804.2); short protein forms T51I.
Identifiers: ClinVar variation 68181 (VCV000068181.4), dbSNP rs281875252, ClinGen allele CA219118.

ClinVar aggregate classification (germline): Conflicting classifications of pathogenicity. Review status: criteria provided, conflicting classifications (1 of 4 stars). 3 submissions from 3 submitters: Likely pathogenic (1); Uncertain significance (1). 1 of the submissions does not count toward it. Last evaluated 2024-09-27.

Conditions:
Hereditary factor XI deficiency disease. Also called: Congenital factor XI deficiency; PLASMA THROMBOPLASTIN ANTECEDENT DEFICIENCY; PTA DEFICIENCY; ROSENTHAL SYNDROME. Identifiers: Orphanet 329, MedGen C0015523, MeSH D005173, MONDO:0012897, OMIM 612416.

Submissions (3):

Women's Health and Genetics/Laboratory Corporation of America, LabCorp
Classification: Uncertain significance. Last evaluated: 2024-09-27. Review status: criteria provided, single submitter. Criteria: LabCorp Variant Classification Summary - May 2015. Collection method: clinical testing. Allele origin: germline.
Comment: Variant summary: F11 c.152C>T (p.Thr51Ile) results in a non-conservative amino acid change located in the Apple domain (IPR000177) of the encoded protein sequence. Five of five in-silico tools predict a damaging effect of the variant on protein function. The variant was absent in 251466 control chromosomes (gnomAD). c.152C>T has been reported in the literature in individuals affected with Hereditary factor XI deficiency disease (Fard-Esfahani_2008, Bicocchi_2013, Kaya_2022). These data indicate that the variant may be associated with disease. To our knowledge, no experimental evidence demonstrating an impact on protein function has been reported. The following publications have been ascertained in the context of this evaluation (PMID: 18005151, 33560085, 23305485). ClinVar contains an entry for this variant (Variation ID: 68181). Based on the evidence outlined above, the variant was classified as VUS-possibly pathogenic.

Genetics and Molecular Pathology, SA Pathology
Classification: Likely pathogenic for Hereditary factor XI deficiency disease. Last evaluated: 2022-12-13. Review status: criteria provided, single submitter. Criteria: ACMG Guidelines, 2015. Collection method: clinical testing. Allele origin: germline. Affected: yes.

UniProtKB/Swiss-Prot
No classification provided. Review status: no classification provided. Collection method: not provided. Allele origin: not provided. Not counted in ClinVar's aggregate classification.

Literature cited by the submitters: PubMed 23305485 (cited by Women's Health and Genetics/Laboratory Corporation of America, LabCorp); PubMed 18005151 (cited by Women's Health and Genetics/Laboratory Corporation of America, LabCorp); PubMed 33560085 (cited by Women's Health and Genetics/Laboratory Corporation of America, LabCorp).